The following is an entry in ClinVar:

ClinVar aggregate classification (germline): Likely pathogenic (1 of 4 stars; one submission).

Submission:

Mayo Clinic Laboratories, Mayo Clinic
Classification: Likely pathogenic. Last evaluated: 2019-04-11. Review status: criteria provided, single submitter. Criteria: ACMG Guidelines, 2015. Collection method: clinical testing. Allele origin: germline. Observed: 1 variant allele.
Comment: PVS1, PM2

NM_000178.4(GSS):c.533del (p.Lys178fs)

Gene: GSS (glutathione synthetase; minus strand). Cytogenetic location: 20q11.22.
Variant type: Deletion.
Coding change: c.533del on transcript NM_000178.4 (MANE Select); coding-DNA position 533, one base deleted (A; older notation c.533delA).
Protein change: p.Lys178fs; shifts the reading frame from lysine 178.
Molecular consequence: frameshift variant.
Genome position (GRCh38, 1-based): chr20:34,941,788, T deleted on the plus strand (A on the coding strand, the reverse complement: GSS is on the minus strand); the first of 2 consecutive T bases (chr20:34,941,788-34,941,789); deleting either gives the same sequence. VCF-style (leftmost placement, unchanged base first): chr20-34941787-CT-C. GRCh37 (hg19) VCF-style: chr20-33529590-CT-C.
Other names: c.533del, p.Lys178fs (NM_001322494.1, NM_001322495.1); short protein forms K178fs.
Identifiers: ClinVar variation 1163162 (VCV001163162.5), dbSNP rs2081485010, ClinGen allele CA2361426780.